The following is an entry in ClinVar:

ClinVar aggregate classification (germline): VUS-high (1 of 4 stars; one submission).

Conditions:
Encephalitis/encephalopathy, mild, with reversible myelin vacuolization. Also called: ENCEPHALITIS/ENCEPHALOPATHY, MILD, WITH REVERSIBLE SPLENIAL LESION. Identifiers: MedGen C4722446, MONDO:0020853, OMIM 618113.

Submission:

Centre for Medical Genetics,  Mumbai
Classification: VUS-high for Encephalitis/encephalopathy, mild, with reversible myelin vacuolization. Last evaluated: 2026-04-15. Review status: criteria provided, single submitter. Criteria: ACMG Guidelines, 2015. Collection method: provider interpretation. Allele origin: germline. Inheritance: Autosomal dominant inheritance. Affected: yes. Observed: 1 variant allele, 1 heterozygote.
Comment: The variant satisfies PM4 criteria - protein length changes resulting from in-frame deletions/insertions in a non-repeat region or a stop-loss variant. The variant satisfies PM5 criteria - different amino acid change as a known pathogenic in a non-repeat region or a stop-loss variant. The variant satisfies PM2 criteria - extremely low frequency in gnomAD population databases. However, due to lack of sufficient clinical evidence and according to the Bayesian framework, the variant should be considered as a variant of uncertain significance - high

Literature cited by the submitters: PubMed 29265453.

NM_001127392.3(MYRF):c.304AAC[3] (p.Asn105del)

Gene: MYRF (myelin regulatory factor; plus strand). Cytogenetic location: 11q12.2.
Variant type: Microsatellite.
Coding change: c.304AAC[3] on transcript NM_001127392.3 (MANE Select); three copies in a row of the 3-base unit AAC starting at c.304; the reference has four copies in a row; one copy, 3 bases deleted; also written c.313_315del.
Protein change: p.Asn105del; deletes asparagine 105.
Molecular consequence: inframe deletion.
Genome position (GRCh38, 1-based): chr11:61,766,136-61,766,138, AAC deleted; deleting any 3 consecutive bases within chr11:61,766,126-61,766,138 gives the same sequence; the position shown is the placement nearest the transcript's 3' end. VCF-style (leftmost placement, unchanged base first): chr11-61766125-GCAA-G. GRCh37 (hg19) VCF-style: chr11-61533597-GCAA-G.
Other names: c.313_315del (NM_001127392.3); c.277AAC[3], p.Asn96del (NM_013279.4); short protein forms N105del, N96del.
Identifiers: ClinVar variation 4851385 (VCV004851385.1).
Genomic context (GRCh38, chr11:61,766,125, plus strand): 5'-GACCCTCCCCGGGGCGCCATGGTCCCCTCCCACCCCCGGGCTACGGCACCCCGCTGAACT[GCAA>G]CAACAACAACGGCATGGGCGCTGCCCCCAAGCCCTTCCCGGGGGGCACCGGGCCCCCCAT-3'